The following is an entry in ClinVar:

NM_001497.4(B4GALT1):c.5G>C (p.Arg2Thr)

Genes: B4GALT1-AS1 (B4GALT1 antisense RNA 1; plus strand), B4GALT1 (beta-1,4-galactosyltransferase 1; minus strand). Cytogenetic location: 9p21.1.
Variant type: single nucleotide variant.
Coding change: c.5G>C on transcript NM_001497.4 (MANE Select); coding-DNA position 5, G replaced by C.
Protein change: p.Arg2Thr; replaces arginine 2 with threonine.
Molecular consequence: missense variant.
Genome position (GRCh38, 1-based): chr9:33,167,165, C>G on the plus strand (G>C on the coding strand, the complement: B4GALT1 is on the minus strand). VCF-style: chr9-33167165-C-G. GRCh37 (hg19) VCF-style: chr9-33167163-C-G.
Other names: c.5G>C, p.Arg2Thr (NM_001378496.1, NM_001378497.1); short protein forms R2T.
Identifiers: ClinVar variation 802478 (VCV000802478.5), dbSNP rs1587756000, ClinGen allele CA373188073.
Genomic context (GRCh38, chr9:33,167,165, plus strand): 5'-GCCCGCTGTAGGGACGCGCCTGGCATCGCGGCGCTGCCGCTCAGGAGCGGCTCCCGAAGC[C>G]TCATCTTCCCGCCGCCGCTTTAAGAAGGGTGTGGGCTACAGGAGGGGAGGCGACCCGCCC-3'
Protein context (NP_001488.2, residues 1-12): M[Arg2Thr]LREPLLSGSA

ClinVar aggregate classification (germline): Uncertain significance. Review status: criteria provided, multiple submitters, no conflicts (2 of 4 stars). 2 submissions from 2 submitters: Uncertain significance (2). Last evaluated 2022-06-14.

Conditions:
B4GALT1-congenital disorder of glycosylation. Also called: CDG IId; B4GALT1-CDG; CONGENITAL DISORDER OF GLYCOSYLATION, TYPE IId. Identifiers: Orphanet 79332, MedGen C2931009, MONDO:0011772, OMIM 607091.

Allele frequency attached by ClinVar (database versions not stated): gnomAD exomes below 0.00001; TOPMed below 0.00001.
gnomAD v4.1: 3 of 1,597,764 alleles (0.00019%); highest among the groups gnomAD compares: African/African-American, 0.0013%; no homozygotes.

Submissions (2):

Labcorp Genetics (formerly Invitae), Labcorp
Classification: Uncertain significance. Last evaluated: 2022-06-14. Review status: criteria provided, single submitter. Criteria: Invitae Variant Classification Sherloc (09022015). Collection method: clinical testing. Allele origin: germline.
Comment: In summary, the available evidence is currently insufficient to determine the role of this variant in disease. Therefore, it has been classified as a Variant of Uncertain Significance. This sequence change replaces arginine, which is basic and polar, with threonine, which is neutral and polar, at codon 2 of the B4GALT1 protein (p.Arg2Thr). This variant is not present in population databases (gnomAD no frequency). This variant has not been reported in the literature in individuals affected with B4GALT1-related conditions. ClinVar contains an entry for this variant (Variation ID: 802478). Algorithms developed to predict the effect of missense changes on protein structure and function are either unavailable or do not agree on the potential impact of this missense change (SIFT: "Deleterious"; PolyPhen-2: "Benign"; Align-GVGD: "Class C0").

Mendelics
Classification: Uncertain significance for B4GALT1-congenital disorder of glycosylation. Last evaluated: 2019-05-28. Review status: criteria provided, single submitter. Criteria: Mendelics Assertion Criteria 2017. Collection method: clinical testing. Allele origin: unknown.